The following is an entry in ClinVar:

NM_001330311.2(DVL1):c.638C>T (p.Ser213Phe)

Gene: DVL1 (dishevelled segment polarity protein 1; minus strand). Cytogenetic location: 1p36.33.
Variant type: single nucleotide variant.
Coding change: c.638C>T on transcript NM_001330311.2 (MANE Select); coding-DNA position 638, C replaced by T.
Protein change: p.Ser213Phe; replaces serine 213 with phenylalanine.
Molecular consequence: missense variant.
Genome position (GRCh38, 1-based): chr1:1,340,471, G>A on the plus strand (C>T on the coding strand, the complement: DVL1 is on the minus strand). VCF-style: chr1-1340471-G-A. GRCh37 (hg19) VCF-style: chr1-1275851-G-A.
Other names: c.638C>T, p.Ser213Phe (NM_004421.3); short protein forms S213F.
Identifiers: ClinVar variation 3661845 (VCV003661845.2).
Genomic context (GRCh38, chr1:1,340,471, plus strand): 5'-CGGTCCGCCTGCCGAAGGCGCTGCTTCCTCCGCCGGCGTTTGTGCTTCCGGATGAGTCTG[G>A]ATGAGGTGCTCTGCTCCGTGGAGCTGCTGAGCCTGGGAACAGACTGTCAGAGCTCAGAGG-3'
Protein context (NP_001317240.1, residues 203-223): LSSSTEQSTS[Ser213Phe]RLIRKHKRRR

ClinVar aggregate classification (germline): Uncertain significance (1 of 4 stars; one submission).

Submission:

Labcorp Genetics (formerly Invitae), Labcorp
Classification: Uncertain significance. Last evaluated: 2024-08-09. Review status: criteria provided, single submitter. Criteria: Invitae Variant Classification Sherloc (09022015). Collection method: clinical testing. Allele origin: germline.
Comment: This sequence change replaces serine, which is neutral and polar, with phenylalanine, which is neutral and non-polar, at codon 213 of the DVL1 protein (p.Ser213Phe). This variant is not present in population databases (gnomAD no frequency). This variant has not been reported in the literature in individuals affected with DVL1-related conditions. Advanced modeling of protein sequence and biophysical properties (such as structural, functional, and spatial information, amino acid conservation, physicochemical variation, residue mobility, and thermodynamic stability) has been performed at Invitae for this missense variant, however the output from this modeling did not meet the statistical confidence thresholds required to predict the impact of this variant on DVL1 protein function. In summary, the available evidence is currently insufficient to determine the role of this variant in disease. Therefore, it has been classified as a Variant of Uncertain Significance.